The following is an entry in ClinVar:

ClinVar aggregate classification (germline): Conflicting classifications of pathogenicity. Review status: criteria provided, conflicting classifications (1 of 4 stars). 5 submissions from 4 submitters: Uncertain significance (2); Likely benign (3). Last evaluated 2025-12-24.

Conditions:
Dystonia 9 (DYT9). Also called: CHOREOATHETOSIS, KINESIGENIC, WITH EPISODIC ATAXIA AND SPASTICITY. Identifiers: Orphanet 53583, MedGen C1832855, MONDO:0010983, OMIM 601042.
GLUT1 deficiency syndrome 1, autosomal recessive. Identifiers: MedGen C3149117.
Encephalopathy due to GLUT1 deficiency. Also called: GLUCOSE TRANSPORT DEFECT, BLOOD-BRAIN BARRIER; Classic Glucose Transporter Type 1 Deficiency Syndrome; De Vivo disease; GLUT1 deficiency syndrome 1, infantile onset, severe; Glucose transporter protein syndrome; GLUT1 deficiency syndrome 1. Identifiers: Orphanet 71277, MedGen C4551966, MONDO:0011724, OMIM 606777.

Allele frequency attached by ClinVar (database versions not stated): ExAC 0.00001; gnomAD 0.00001; TOPMed 0.00001.
gnomAD v4.1: 17 of 1,613,628 alleles (0.0011%); highest among the groups gnomAD compares: East Asian, 0.0045%; no homozygotes.

Submissions (5):

Labcorp Genetics (formerly Invitae), Labcorp
Classification: Likely benign for GLUT1 deficiency syndrome 1, autosomal recessive. Last evaluated: 2025-12-24. Review status: criteria provided, single submitter. Criteria: Invitae Variant Classification Sherloc (09022015). Collection method: clinical testing. Allele origin: germline.

CeGaT Center for Human Genetics Tuebingen
Classification: Likely benign. Last evaluated: 2022-12-01. Review status: criteria provided, single submitter. Criteria: CeGaT Center For Human Genetics Tuebingen Variant Classification Criteria Version 2. Collection method: clinical testing. Allele origin: germline. Affected: yes. Observed: 2 variant alleles.
Comment: SLC2A1: BP4, BP7

GeneDx
Classification: Likely benign. Last evaluated: 2021-03-31. Review status: criteria provided, single submitter. Criteria: GeneDx Variant Classification Process June 2021. Collection method: clinical testing. Allele origin: germline. Affected: yes.

Illumina Laboratory Services, Illumina
Classification: Uncertain significance for Encephalopathy due to GLUT1 deficiency. Last evaluated: 2018-01-13. Review status: criteria provided, single submitter. Criteria: ICSL Variant Classification Criteria 13 December 2019. Collection method: clinical testing. Allele origin: germline.

Illumina Laboratory Services, Illumina
Classification: Uncertain significance for Dystonia 9. Last evaluated: 2018-01-13. Review status: criteria provided, single submitter. Criteria: ICSL Variant Classification Criteria 13 December 2019. Collection method: clinical testing. Allele origin: germline.

NM_006516.4(SLC2A1):c.1062G>A (p.Ala354=)

Gene: SLC2A1 (solute carrier family 2 member 1; minus strand). Cytogenetic location: 1p34.2.
Variant type: single nucleotide variant.
Coding change: c.1062G>A on transcript NM_006516.4 (MANE Select); coding-DNA position 1062, G replaced by A.
Protein change: p.Ala354=; no amino-acid change (alanine 354 retained).
Molecular consequence: synonymous variant.
Genome position (GRCh38, 1-based): chr1:42,928,944, C>T on the plus strand (G>A on the coding strand, the complement: SLC2A1 is on the minus strand). VCF-style: chr1-42928944-C-T. GRCh37 (hg19) VCF-style: chr1-43394615-C-T.
Identifiers: ClinVar variation 806115 (VCV000806115.55), dbSNP rs748983257, ClinGen allele CA803359.
Genomic context (GRCh38, chr1:42,928,944, plus strand): 5'-CAGGCAAACTCTCCCGCATCCCTCACTCTCCAGAACCTAGCAACTCACCAGCAGTGCTAG[C>T]GCGATGGTCATGAGTATGGCACAACCCGCCATGCCAGCGAGGCCTATGAGGTGCAGGGTC-3'
Protein context (NP_006507.2, residues 344-364): MAGCAILMTI[Ala354=]LALLEQLPWM